The following is an entry in ClinVar:

NM_183065.4(TMEM107):c.326C>T (p.Thr109Met)

Genes: TMEM107 (transmembrane protein 107; minus strand), LOC105371520 (uncharacterized LOC105371520; plus strand). Cytogenetic location: 17p13.1.
Variant type: single nucleotide variant.
Coding change: c.326C>T on transcript NM_183065.4 (MANE Select); coding-DNA position 326, C replaced by T.
Protein change: p.Thr109Met; replaces threonine 109 with methionine.
Molecular consequence: missense variant. On other transcripts: intron variant (1).
Genome position (GRCh38, 1-based): chr17:8,174,547, G>A on the plus strand (C>T on the coding strand, the complement: TMEM107 is on the minus strand). VCF-style: chr17-8174547-G-A. GRCh37 (hg19) VCF-style: chr17-8077865-G-A.
Other names: c.344C>T, p.Thr115Met (NM_001351278.2, NM_032354.5); c.326C>T, p.Thr109Met (NM_001351279.2); c.156-275C>T (NM_001351280.2); short protein forms T109M, T115M.
Identifiers: ClinVar variation 1363306 (VCV001363306.6), dbSNP rs1371849426, ClinGen allele CA397970075.

ClinVar aggregate classification (germline): Uncertain significance (1 of 4 stars; one submission).

Allele frequency attached by ClinVar (database versions not stated): gnomAD exomes below 0.00001 and 0.00001.
gnomAD v4.1: 2 of 1,614,090 alleles (0.00012%); highest among the groups gnomAD compares: Non-Finnish European, 0.000085%; no homozygotes.

Submission:

Labcorp Genetics (formerly Invitae), Labcorp
Classification: Uncertain significance. Last evaluated: 2021-08-20. Review status: criteria provided, single submitter. Criteria: Invitae Variant Classification Sherloc (09022015). Collection method: clinical testing. Allele origin: germline.
Comment: In summary, the available evidence is currently insufficient to determine the role of this variant in disease. Therefore, it has been classified as a Variant of Uncertain Significance. Algorithms developed to predict the effect of missense changes on protein structure and function output the following: SIFT: "Deleterious"; PolyPhen-2: "Benign"; Align-GVGD: "Class C0". The methionine amino acid residue is found in multiple mammalian species, which suggests that this missense change does not adversely affect protein function. This variant has not been reported in the literature in individuals affected with TMEM107-related conditions. This variant is not present in population databases (ExAC no frequency). This sequence change replaces threonine with methionine at codon 115 of the TMEM107 protein (p.Thr115Met). The threonine residue is moderately conserved and there is a moderate physicochemical difference between threonine and methionine.